The following is an entry in ClinVar:

ClinVar aggregate classification (germline): Uncertain significance. Review status: criteria provided, multiple submitters, no conflicts (2 of 4 stars). 2 submissions from 2 submitters: Uncertain significance (2). Last evaluated 2025-04-19.

Conditions:
Multiple congenital anomalies-hypotonia-seizures syndrome 1 (MCAHS1). Also called: PIGN-CDG; Congenital disorder of glycosylation due to PIGN deficiency; GLYCOSYLPHOSPHATIDYLINOSITOL BIOSYNTHESIS DEFECT 3. Identifiers: Orphanet 280633, MedGen C3279775, MONDO:0013563, OMIM 614080.
Inborn genetic diseases. Identifiers: MedGen C0950123, MeSH D030342.

Allele frequency attached by ClinVar (database versions not stated): gnomAD exomes 0.00002 and 0.00001; TOPMed 0.00003; 1000 Genomes Project 0.00020; ExAC 0.00002; gnomAD 0.00002 and 0.00001; 1000 Genomes Project 30x 0.00016.
gnomAD v4.1: 36 of 1,613,304 alleles (0.0022%); highest among the groups gnomAD compares: Non-Finnish European, 0.003%; no homozygotes.

Submissions (2):

Ambry Genetics
Classification: Uncertain significance for Inborn genetic diseases. Last evaluated: 2025-04-19. Review status: criteria provided, single submitter. Criteria: Ambry Variant Classification Scheme 2023. Collection method: clinical testing. Allele origin: germline.

Labcorp Genetics (formerly Invitae), Labcorp
Classification: Uncertain significance for Multiple congenital anomalies-hypotonia-seizures syndrome 1. Last evaluated: 2022-08-11. Review status: criteria provided, single submitter. Criteria: Invitae Variant Classification Sherloc (09022015). Collection method: clinical testing. Allele origin: germline.
Comment: This sequence change replaces phenylalanine, which is neutral and non-polar, with leucine, which is neutral and non-polar, at codon 707 of the PIGN protein (p.Phe707Leu). This variant is present in population databases (rs188842844, gnomAD 0.002%). This variant has not been reported in the literature in individuals affected with PIGN-related conditions. ClinVar contains an entry for this variant (Variation ID: 1523667). Algorithms developed to predict the effect of missense changes on protein structure and function output the following: SIFT: "Tolerated"; PolyPhen-2: "Benign"; Align-GVGD: "Class C0". The leucine amino acid residue is found in multiple mammalian species, which suggests that this missense change does not adversely affect protein function. Algorithms developed to predict the effect of sequence changes on RNA splicing suggest that this variant may create or strengthen a splice site. In summary, the available evidence is currently insufficient to determine the role of this variant in disease. Therefore, it has been classified as a Variant of Uncertain Significance.

NM_176787.5(PIGN):c.2119T>C (p.Phe707Leu)

Gene: PIGN (phosphatidylinositol glycan anchor biosynthesis class N; minus strand). Cytogenetic location: 18q21.33.
Variant type: single nucleotide variant.
Coding change: c.2119T>C on transcript NM_176787.5 (MANE Select); coding-DNA position 2119, T replaced by C.
Protein change: p.Phe707Leu; replaces phenylalanine 707 with leucine.
Molecular consequence: missense variant.
Genome position (GRCh38, 1-based): chr18:62,095,909, A>G on the plus strand (T>C on the coding strand, the complement: PIGN is on the minus strand). VCF-style: chr18-62095909-A-G. GRCh37 (hg19) VCF-style: chr18-59763142-A-G.
Other names: c.2119T>C, p.Phe707Leu (NM_012327.6); c.2119T>C (NM_176787.4); short protein forms F707L.
Identifiers: ClinVar variation 1523667 (VCV001523667.4), dbSNP rs188842844, ClinGen allele CA8982076.
Genomic context (GRCh38, chr18:62,095,909, plus strand): 5'-CTGTGCTTAGAAGTAGGTAGGTTGACATCAATGAAAGAAGTATGCTGAACAATCGCTGAA[A>G]GAGAACTGGAGAACTCAGTAGTGGCACAACCAAGGAAGAGGCTGCAATGAAACAGAACAG-3'
Protein context (NP_789744.1, residues 697-717): VVPLLSSPVL[Phe707Leu]QRLFSILLSL